The following is an entry in ClinVar:

ClinVar aggregate classification (germline): Conflicting classifications of pathogenicity. Review status: criteria provided, conflicting classifications (1 of 4 stars). 8 submissions from 7 submitters: Uncertain significance (1); Benign (1); Likely benign (5). 1 of the submissions does not count toward it. Last evaluated 2026-02-02.

Conditions:
USH2A-related disorder. Also called: USH2A-related condition; USH2A-related disorders. Identifiers: MedGen CN239332.
Retinitis pigmentosa (RP). Identifiers: Orphanet 791, MedGen C0035334, MeSH D012174, MONDO:0019200, OMIM 268000. Inheritance: Autosomal dominant, autosomal recessive and X linked inheritance.
Usher syndrome type 2A. Also called: USHER SYNDROME, TYPE IIA; RETINAL DISEASE IN USHER SYNDROME TYPE IIA, MODIFIER OF. Identifiers: Orphanet 231178, Orphanet 886, MedGen C1848634, MONDO:0010169, OMIM 276901.

Allele frequency attached by ClinVar (database versions not stated): ESP Exome Variant Server 0.00284; 1000 Genomes Project 0.00339; 1000 Genomes Project 30x 0.00359; gnomAD exomes 0.00019 and 0.00058; ExAC 0.00073; gnomAD 0.00222 and 0.00240; TOPMed 0.00275.
gnomAD v4.1: 622 of 1,613,902 alleles (0.039%); highest among the groups gnomAD compares: African/African-American, 0.75%; no homozygotes.

Submissions (8):

Labcorp Genetics (formerly Invitae), Labcorp
Classification: Likely benign. Last evaluated: 2026-02-02. Review status: criteria provided, single submitter. Criteria: Invitae Variant Classification Sherloc (09022015). Collection method: clinical testing. Allele origin: germline.

Blueprint Genetics
Classification: Likely benign. Last evaluated: 2024-07-25. Review status: criteria provided, single submitter. Criteria: ACMG Guidelines, 2015. Collection method: clinical testing. Allele origin: germline.

GeneDx
Classification: Likely benign. Last evaluated: 2020-12-30. Review status: criteria provided, single submitter. Criteria: GeneDx Variant Classification Process June 2021. Collection method: clinical testing. Allele origin: germline. Affected: yes.

Illumina Laboratory Services, Illumina
Classification: Uncertain significance for Retinitis pigmentosa. Last evaluated: 2017-04-27. Review status: criteria provided, single submitter. Criteria: ICSL Variant Classification Criteria 13 December 2019. Collection method: clinical testing. Allele origin: germline.

Illumina Laboratory Services, Illumina
Classification: Likely benign for Usher syndrome type 2A. Last evaluated: 2017-04-27. Review status: criteria provided, single submitter. Criteria: ICSL Variant Classification Criteria 13 December 2019. Collection method: clinical testing. Allele origin: germline.
Comment: This variant was observed as part of a predisposition screen in an ostensibly healthy population. A literature search was performed for the gene, cDNA change, and amino acid change (where applicable). No publications were found based on this search. Allele frequency data from public databases allowed determination this variant is unlikely to cause disease. Therefore, this variant is classified as likely benign.

Laboratory for Molecular Medicine, Mass General Brigham Personalized Medicine
Classification: Benign. Last evaluated: 2016-12-22. Review status: criteria provided, single submitter. Criteria: LMM Criteria. Collection method: clinical testing. Allele origin: germline. Observed: 6 variant alleles.
Comment: p.Gly160Ser in exon 2 of USH2A: This variant is not expected to have clinical si gnificance because it has been identified in 0.8% (85/10406) of African chromoso mes by the Exome Aggregation Consortium (ExAC; d bSNP rs111033479).

Eurofins Ntd Llc (ga)
Classification: Likely benign. Last evaluated: 2014-09-03. Review status: criteria provided, single submitter. Criteria: EGL Classification Definitions 2015. Collection method: clinical testing. Allele origin: germline. Observed: 1 variant allele, 1 heterozygote.

PreventionGenetics, part of Exact Sciences
Classification: Benign for USH2A-related condition. Last evaluated: 2022-02-08. Review status: no assertion criteria provided. Collection method: clinical testing. Allele origin: germline. Not counted in ClinVar's aggregate classification.
Comment: This variant is classified as benign based on ACMG/AMP sequence variant interpretation guidelines (Richards et al. 2015 PMID: 25741868, with internal and published modifications).

NM_206933.4(USH2A):c.478G>A (p.Gly160Ser)

Gene: USH2A (usherin; minus strand). Cytogenetic location: 1q41.
Variant type: single nucleotide variant.
Coding change: c.478G>A on transcript NM_206933.4 (MANE Select); coding-DNA position 478, G replaced by A.
Protein change: p.Gly160Ser; replaces glycine 160 with serine.
Molecular consequence: missense variant.
Genome position (GRCh38, 1-based): chr1:216,421,859, C>T on the plus strand (G>A on the coding strand, the complement: USH2A is on the minus strand). VCF-style: chr1-216421859-C-T. GRCh37 (hg19) VCF-style: chr1-216595201-C-T.
Other names: c.478G>A, p.Gly160Ser (NM_007123.6); short protein forms G160S.
Identifiers: ClinVar variation 48522 (VCV000048522.27), dbSNP rs111033479, ClinGen allele CA143499.